The following is an entry in ClinVar:

NM_000256.3(MYBPC3):c.3778G>C (p.Gly1260Arg)

Gene: MYBPC3 (myosin binding protein C3; minus strand). Cytogenetic location: 11p11.2.
Variant type: single nucleotide variant.
Coding change: c.3778G>C on transcript NM_000256.3 (MANE Select); coding-DNA position 3778, G replaced by C.
Protein change: p.Gly1260Arg; replaces glycine 1260 with arginine.
Molecular consequence: missense variant.
Genome position (GRCh38, 1-based): chr11:47,332,108, C>G on the plus strand (G>C on the coding strand, the complement: MYBPC3 is on the minus strand). VCF-style: chr11-47332108-C-G. GRCh37 (hg19) VCF-style: chr11-47353659-C-G.
Other names: c.3778G>C, p.Gly1260Arg (LRG_386t1); short protein forms G1260R.
Identifiers: ClinVar variation 520320 (VCV000520320.12), dbSNP rs1555120117, ClinGen allele CA380310595.

ClinVar aggregate classification (germline): Uncertain significance. Review status: criteria provided, multiple submitters, no conflicts (2 of 4 stars). 2 submissions from 2 submitters: Uncertain significance (2). Last evaluated 2025-11-05.

Conditions:
Cardiovascular phenotype. Identifiers: MedGen CN230736.
Hypertrophic cardiomyopathy. Also called: HYPERTROPHIC MYOCARDIOPATHY. Identifiers: Orphanet 217569, MedGen C0007194, MeSH D002312, MONDO:0005045, HP:0001639.

gnomAD v4.1: 2 of 1,613,396 alleles (0.00012%); highest among the groups gnomAD compares: Non-Finnish European, 0.00017%; no homozygotes.

Submissions (2):

Labcorp Genetics (formerly Invitae), Labcorp
Classification: Uncertain significance for Hypertrophic cardiomyopathy. Last evaluated: 2025-11-05. Review status: criteria provided, single submitter. Criteria: Invitae Variant Classification Sherloc (09022015). Collection method: clinical testing. Allele origin: germline.
Comment: This sequence change replaces glycine, which is neutral and non-polar, with arginine, which is basic and polar, at codon 1260 of the MYBPC3 protein (p.Gly1260Arg). This variant is not present in population databases (gnomAD no frequency). This missense change has been observed in individual(s) with hypertrophic cardiomyopathy (PMID: 37652022). ClinVar contains an entry for this variant (Variation ID: 520320). An algorithm developed to predict the effect of missense changes on protein structure and function (PolyPhen-2) suggests that this variant is likely to be disruptive. In summary, the available evidence is currently insufficient to determine the role of this variant in disease. Therefore, it has been classified as a Variant of Uncertain Significance.

Ambry Genetics
Classification: Uncertain significance for Cardiovascular phenotype. Last evaluated: 2025-08-13. Review status: criteria provided, single submitter. Criteria: Ambry Variant Classification Scheme 2023. Collection method: clinical testing. Allele origin: germline.
Comment: The p.G1260R variant (also known as c.3778G>C), located in coding exon 33 of the MYBPC3 gene, results from a G to C substitution at nucleotide position 3778. The glycine at codon 1260 is replaced by arginine, an amino acid with dissimilar properties. This variant was reported in individual(s) with features consistent with MYBPC3-related cardiomyopathy (internal Ambry data). This amino acid position is highly conserved in available vertebrate species. In addition, this alteration is predicted to be deleterious by in silico analysis. Since supporting evidence is limited at this time, the clinical significance of this alteration remains unclear.

Literature cited by the submitters: PubMed 37652022 (cited by Labcorp Genetics (formerly Invitae), Labcorp).